The following is an entry in ClinVar:

NM_014989.7(RIMS1):c.1174G>A (p.Asp392Asn)

Gene: RIMS1 (regulating synaptic membrane exocytosis 1; plus strand). Cytogenetic location: 6q13.
Variant type: single nucleotide variant.
Coding change: c.1174G>A on transcript NM_014989.7 (MANE Select); coding-DNA position 1174, G replaced by A.
Protein change: p.Asp392Asn; replaces aspartic acid 392 with asparagine.
Molecular consequence: missense variant.
Genome position (GRCh38, 1-based): chr6:72,182,645, G>A. VCF-style: chr6-72182645-G-A. GRCh37 (hg19) VCF-style: chr6-72892348-G-A.
Other names: short protein forms D392N.
Identifiers: ClinVar variation 846930 (VCV000846930.8), dbSNP rs766056557, ClinGen allele CA141417517.

ClinVar aggregate classification (germline): Uncertain significance. Review status: criteria provided, multiple submitters, no conflicts (2 of 4 stars). 2 submissions from 2 submitters: Uncertain significance (2). Last evaluated 2022-11-24.

Allele frequency attached by ClinVar (database versions not stated): gnomAD 0.00001; TOPMed 0.00001.

Submissions (2):

Labcorp Genetics (formerly Invitae), Labcorp
Classification: Uncertain significance. Last evaluated: 2022-11-24. Review status: criteria provided, single submitter. Criteria: Invitae Variant Classification Sherloc (09022015). Collection method: clinical testing. Allele origin: germline.
Comment: In summary, the available evidence is currently insufficient to determine the role of this variant in disease. Therefore, it has been classified as a Variant of Uncertain Significance. Algorithms developed to predict the effect of missense changes on protein structure and function are either unavailable or do not agree on the potential impact of this missense change (SIFT: "Deleterious"; PolyPhen-2: "Benign"; Align-GVGD: "Class C0"). ClinVar contains an entry for this variant (Variation ID: 846930). This variant has not been reported in the literature in individuals affected with RIMS1-related conditions. This variant is not present in population databases (gnomAD no frequency). This sequence change replaces aspartic acid, which is acidic and polar, with asparagine, which is neutral and polar, at codon 392 of the RIMS1 protein (p.Asp392Asn).

Blueprint Genetics
Classification: Uncertain significance. Last evaluated: 2021-12-03. Review status: criteria provided, single submitter. Criteria: ACMG Guidelines, 2015. Collection method: clinical testing. Allele origin: germline.